The following is an entry in ClinVar:

NM_147127.5(EVC2):c.2376G>C (p.Glu792Asp)

Gene: EVC2 (EvC ciliary complex subunit 2; minus strand). Cytogenetic location: 4p16.2.
Variant type: single nucleotide variant.
Coding change: c.2376G>C on transcript NM_147127.5 (MANE Select); coding-DNA position 2376, G replaced by C.
Protein change: p.Glu792Asp; replaces glutamic acid 792 with aspartic acid.
Molecular consequence: missense variant.
Genome position (GRCh38, 1-based): chr4:5,622,662, C>G on the plus strand (G>C on the coding strand, the complement: EVC2 is on the minus strand). VCF-style: chr4-5622662-C-G. GRCh37 (hg19) VCF-style: chr4-5624389-C-G.
Other names: c.2136G>C, p.Glu712Asp (NM_001166136.2); short protein forms E712D, E792D.
Identifiers: ClinVar variation 2933015 (VCV002933015.3), dbSNP rs752095410, ClinGen allele CA356144571.

ClinVar aggregate classification (germline): Uncertain significance (1 of 4 stars; one submission).

Conditions:
Curry-Hall syndrome (WAD). Also called: WEYERS ACRODENTAL DYSOSTOSIS. Identifiers: Orphanet 952, MedGen C0457013, MONDO:0008673, OMIM 193530.
Ellis-van Creveld syndrome (EVC). Also called: EVC-Related Ellis-van Creveld Syndrome; EVC2-Related Ellis-van Creveld Syndrome; MESOECTODERMAL DYSPLASIA; Chondroectodermal dysplasia. Identifiers: Orphanet 289, MedGen C0013903, MONDO:0009162, OMIM 225500.

Submission:

Labcorp Genetics (formerly Invitae), Labcorp
Classification: Uncertain significance for Curry-Hall syndrome; Ellis-van Creveld syndrome. Last evaluated: 2022-11-01. Review status: criteria provided, single submitter. Criteria: Invitae Variant Classification Sherloc (09022015). Collection method: clinical testing. Allele origin: germline.
Comment: This sequence change replaces glutamic acid, which is acidic and polar, with aspartic acid, which is acidic and polar, at codon 792 of the EVC2 protein (p.Glu792Asp). This variant is not present in population databases (gnomAD no frequency). This variant has not been reported in the literature in individuals affected with EVC2-related conditions. Algorithms developed to predict the effect of missense changes on protein structure and function are either unavailable or do not agree on the potential impact of this missense change (SIFT: "Tolerated"; PolyPhen-2: "Probably Damaging"; Align-GVGD: "Class C0"). In summary, the available evidence is currently insufficient to determine the role of this variant in disease. Therefore, it has been classified as a Variant of Uncertain Significance.